The following is an entry in ClinVar:

NM_213622.4(STAMBP):c.457A>G (p.Lys153Glu)

Gene: STAMBP (STAM binding protein; plus strand). Cytogenetic location: 2p13.1.
Variant type: single nucleotide variant.
Coding change: c.457A>G on transcript NM_213622.4 (MANE Select); coding-DNA position 457, A replaced by G.
Protein change: p.Lys153Glu; replaces lysine 153 with glutamic acid.
Molecular consequence: missense variant. On other transcripts: non-coding transcript variant (4).
Genome position (GRCh38, 1-based): chr2:73,847,468, A>G. VCF-style: chr2-73847468-A-G. GRCh37 (hg19) VCF-style: chr2-74074595-A-G.
Other names: c.457A>G, p.Lys153Glu (NM_001353967.2, NM_001353968.2, NM_001353969.2 and 3 more transcripts); c.52A>G, p.Lys18Glu (NM_001353971.2, NM_001353972.2, NM_001353973.2 and 3 more transcripts); short protein forms K153E, K18E.
Identifiers: ClinVar variation 1513047 (VCV001513047.5), dbSNP rs375837286, ClinGen allele CA1717555.
Genomic context (GRCh38, chr2:73,847,468, plus strand): 5'-GCCCGGAACATGGCCATCCAGCAAGAGCTGGAAAAGGAAAAACAGAGGGTAGCACAACAG[A>G]AGCAGCAGCAATTGGAACAGGAACAGTTCCATGCCTTCGAGGAGATGATCCGGAACCAGG-3'
Protein context (NP_998787.1, residues 143-163): EKEKQRVAQQ[Lys153Glu]QQQLEQEQFH

ClinVar aggregate classification (germline): Uncertain significance (1 of 4 stars; one submission).

Allele frequency attached by ClinVar (database versions not stated): gnomAD exomes below 0.00001; ExAC 0.00001.

Submission:

Labcorp Genetics (formerly Invitae), Labcorp
Classification: Uncertain significance. Last evaluated: 2023-11-01. Review status: criteria provided, single submitter. Criteria: Invitae Variant Classification Sherloc (09022015). Collection method: clinical testing. Allele origin: germline.
Comment: This sequence change replaces lysine, which is basic and polar, with glutamic acid, which is acidic and polar, at codon 153 of the STAMBP protein (p.Lys153Glu). This variant is present in population databases (rs375837286, gnomAD 0.003%). This variant has not been reported in the literature in individuals affected with STAMBP-related conditions. ClinVar contains an entry for this variant (Variation ID: 1513047). Advanced modeling of protein sequence and biophysical properties (such as structural, functional, and spatial information, amino acid conservation, physicochemical variation, residue mobility, and thermodynamic stability) performed at Invitae indicates that this missense variant is not expected to disrupt STAMBP protein function with a negative predictive value of 80%. In summary, the available evidence is currently insufficient to determine the role of this variant in disease. Therefore, it has been classified as a Variant of Uncertain Significance.